The following is an entry in ClinVar:

NM_015141.4(GPD1L):c.505G>T (p.Gly169Cys)

Gene: GPD1L (glycerol-3-phosphate dehydrogenase 1 like; plus strand). Cytogenetic location: 3p22.3.
Variant type: single nucleotide variant.
Coding change: c.505G>T on transcript NM_015141.4 (MANE Select); coding-DNA position 505, G replaced by T.
Protein change: p.Gly169Cys; replaces glycine 169 with cysteine.
Molecular consequence: missense variant.
Genome position (GRCh38, 1-based): chr3:32,140,366, G>T. VCF-style: chr3-32140366-G-T. GRCh37 (hg19) VCF-style: chr3-32181858-G-T.
Other names: short protein forms G169C.
Identifiers: ClinVar variation 4809228 (VCV004809228.1).

ClinVar aggregate classification (germline): Uncertain significance (1 of 4 stars; one submission).

Conditions:
Brugada syndrome. Also called: Sudden unexpected nocturnal death syndrome; Sudden unexplained nocturnal death syndrome; Sudden Unexplained Death Syndrome; Sudden Unexplained Nocturnal Death Syndrome (SUNDS). Identifiers: Orphanet 130, MedGen C1142166, MONDO:0015263.

Submission:

Labcorp Genetics (formerly Invitae), Labcorp
Classification: Uncertain significance for Brugada syndrome. Last evaluated: 2025-05-13. Review status: criteria provided, single submitter. Criteria: Invitae Variant Classification Sherloc (09022015). Collection method: clinical testing. Allele origin: germline.
Comment: This sequence change replaces glycine, which is neutral and non-polar, with cysteine, which is neutral and slightly polar, at codon 169 of the GPD1L protein (p.Gly169Cys). This variant also falls at the last nucleotide of exon 4, which is part of the consensus splice site for this exon. This variant is not present in population databases (gnomAD no frequency). This variant has not been reported in the literature in individuals affected with GPD1L-related conditions. An algorithm developed to predict the effect of missense changes on protein structure and function (PolyPhen-2) suggests that this variant is likely to be disruptive. Variants that disrupt the consensus splice site are a relatively common cause of aberrant splicing (PMID: 17576681, 9536098). In summary, the available evidence is currently insufficient to determine the role of this variant in disease. Therefore, it has been classified as a Variant of Uncertain Significance.

Literature cited by the submitters: PubMed 17576681; PubMed 9536098.